The following is an entry in ClinVar:

ClinVar aggregate classification (germline): Uncertain significance. Review status: criteria provided, multiple submitters, no conflicts (2 of 4 stars). 2 submissions from 2 submitters: Uncertain significance (2). Last evaluated 2026-06-22.

Conditions:
EGFR-related lung cancer (EGFR). Identifiers: MedGen CN130014.
Hereditary cancer-predisposing syndrome. Also called: Hereditary Cancer Syndrome; Hereditary neoplastic syndrome; Neoplastic Syndromes, Hereditary; Tumor predisposition. Identifiers: Orphanet 140162, MedGen C0027672, MeSH D009386, MONDO:0015356.

Allele frequency attached by ClinVar (database versions not stated): gnomAD exomes below 0.00001; ExAC 0.00001.
gnomAD v4.1: 1 of 1,614,170 alleles (0.000062%); highest among the groups gnomAD compares: Admixed American, 0.0017%; no homozygotes.

Submissions (2):

Ambry Genetics
Classification: Uncertain significance for Hereditary cancer-predisposing syndrome. Last evaluated: 2026-06-22. Review status: criteria provided, single submitter. Criteria: Ambry Variant Classification Scheme 2023. Collection method: clinical testing. Allele origin: germline.
Comment: The p.T940A variant (also known as c.2818A>G), located in coding exon 23 of the EGFR gene, results from an A to G substitution at nucleotide position 2818. The threonine at codon 940 is replaced by alanine, an amino acid with similar properties. This amino acid position is highly conserved in available vertebrate species. In addition, the in silico prediction for this alteration is inconclusive. Based on the available evidence, the clinical significance of this variant remains unclear.

Labcorp Genetics (formerly Invitae), Labcorp
Classification: Uncertain significance for EGFR-related lung cancer. Last evaluated: 2025-01-27. Review status: criteria provided, single submitter. Criteria: Invitae Variant Classification Sherloc (09022015). Collection method: clinical testing. Allele origin: germline.
Comment: This sequence change replaces threonine, which is neutral and polar, with alanine, which is neutral and non-polar, at codon 940 of the EGFR protein (p.Thr940Ala). This variant is present in population databases (rs753612121, gnomAD 0.003%). This variant has not been reported in the literature in individuals affected with EGFR-related conditions. ClinVar contains an entry for this variant (Variation ID: 2984279). Invitae Evidence Modeling of protein sequence and biophysical properties (such as structural, functional, and spatial information, amino acid conservation, physicochemical variation, residue mobility, and thermodynamic stability) indicates that this missense variant is expected to disrupt EGFR protein function with a positive predictive value of 80%. In summary, the available evidence is currently insufficient to determine the role of this variant in disease. Therefore, it has been classified as a Variant of Uncertain Significance.

NM_005228.5(EGFR):c.2818A>G (p.Thr940Ala)

Gene: EGFR (epidermal growth factor receptor; plus strand). Cytogenetic location: 7p11.2.
Variant type: single nucleotide variant.
Coding change: c.2818A>G on transcript NM_005228.5 (MANE Select); coding-DNA position 2818, A replaced by G.
Protein change: p.Thr940Ala; replaces threonine 940 with alanine.
Molecular consequence: missense variant.
Genome position (GRCh38, 1-based): chr7:55,198,833, A>G. VCF-style: chr7-55198833-A-G. GRCh37 (hg19) VCF-style: chr7-55266526-A-G.
Other names: c.2683A>G, p.Thr895Ala (NM_001346897.2, NM_001346899.2); c.2818A>G, p.Thr940Ala (NM_001346898.2); c.2659A>G, p.Thr887Ala (NM_001346900.2); c.2017A>G, p.Thr673Ala (NM_001346941.2); short protein forms T940A, T673A, T887A, T895A.
Identifiers: ClinVar variation 2984279 (VCV002984279.4), dbSNP rs753612121, ClinGen allele CA4266180.
Genomic context (GRCh38, chr7:55,198,833, plus strand): 5'-GCCAGCGAGATCTCCTCCATCCTGGAGAAAGGAGAACGCCTCCCTCAGCCACCCATATGT[A>G]CCATCGATGTCTACATGATCATGGTCAAGTGTGAGTGACTGGTGGGTCTGTCCACACTGC-3'
Protein context (NP_005219.2, residues 930-950): GERLPQPPIC[Thr940Ala]IDVYMIMVKC